The following is an entry in ClinVar:

NM_031308.4(EPPK1):c.360G>A (p.Thr120=)

Gene: EPPK1 (epiplakin 1; minus strand). Cytogenetic location: 8q24.3.
Variant type: single nucleotide variant.
Coding change: c.360G>A on transcript NM_031308.4 (MANE Select); coding-DNA position 360, G replaced by A.
Protein change: p.Thr120=; no amino-acid change (threonine 120 retained).
Molecular consequence: synonymous variant.
Genome position (GRCh38, 1-based): chr8:143,872,894, C>T on the plus strand (G>A on the coding strand, the complement: EPPK1 is on the minus strand). VCF-style: chr8-143872894-C-T. GRCh37 (hg19) VCF-style: chr8-144947062-C-T.
Identifiers: ClinVar variation 3035740 (VCV003035740.2), dbSNP rs7819087, ClinGen allele CA4923633.

ClinVar aggregate classification (germline): Benign (0 of 4 stars; one submission).

Conditions:
EPPK1-related disorder. Also called: EPPK1-related condition.

Allele frequency attached by ClinVar (database versions not stated): ExAC 0.00819; ESP Exome Variant Server 0.02301; gnomAD 0.02517; TOPMed 0.02804; 1000 Genomes Project 0.02995; 1000 Genomes Project 30x 0.03170.
gnomAD v4.1: 8,011 of 1,605,168 alleles (0.5%); highest among the groups gnomAD compares: African/African-American, 8.6%; 307 homozygotes.

Submission:

PreventionGenetics, part of Exact Sciences
Classification: Benign for EPPK1-related condition. Last evaluated: 2021-04-14. Review status: no assertion criteria provided. Collection method: clinical testing. Allele origin: germline.
Comment: This variant is classified as benign based on ACMG/AMP sequence variant interpretation guidelines (Richards et al. 2015 PMID: 25741868, with internal and published modifications).